The following is an entry in ClinVar:

NM_000278.5(PAX2):c.490A>G (p.Thr164Ala)

Gene: PAX2 (paired box 2; plus strand). Cytogenetic location: 10q24.31.
Variant type: single nucleotide variant.
Coding change: c.490A>G on transcript NM_000278.5 (MANE Select); coding-DNA position 490, A replaced by G.
Protein change: p.Thr164Ala; replaces threonine 164 with alanine.
Molecular consequence: missense variant.
Genome position (GRCh38, 1-based): chr10:100,779,577, A>G. VCF-style: chr10-100779577-A-G. GRCh37 (hg19) VCF-style: chr10-102539334-A-G.
Other names: c.583A>G, p.Thr195Ala (NM_001304569.2); c.490A>G, p.Thr164Ala (NM_003987.5, NM_003988.5, NM_003989.5 and 1 more transcripts); short protein forms T195A, T164A.
Identifiers: ClinVar variation 1468433 (VCV001468433.6), dbSNP rs2133894286, ClinGen allele CA378258400.

ClinVar aggregate classification (germline): Uncertain significance (1 of 4 stars; one submission).

Conditions:
Focal segmental glomerulosclerosis 7 (FSGS7). Identifiers: Orphanet 656, MedGen C4014925, MONDO:0014451, OMIM 616002.
Renal coloboma syndrome (PAPRS). Also called: OPTIC COLOBOMA, VESICOURETERAL REFLUX, AND RENAL ANOMALIES; OPTIC NERVE COLOBOMA WITH RENAL DISEASE; RENAL-COLOBOMA SYNDROME WITH MACULAR ABNORMALITIES; COLOBOMA OF OPTIC NERVE WITH RENAL DISEASE; CONGENITAL ANOMALIES OF THE KIDNEY AND URINARY TRACT WITH OR WITHOUT OCULAR ABNORMALITIES; CAKUT WITH OR WITHOUT OCULAR ABNORMALITIES. Identifiers: Orphanet 1475, MedGen C1852759, MONDO:0007352, OMIM 120330.

Submission:

Labcorp Genetics (formerly Invitae), Labcorp
Classification: Uncertain significance for Renal coloboma syndrome; Focal segmental glomerulosclerosis 7. Last evaluated: 2021-05-27. Review status: criteria provided, single submitter. Criteria: Invitae Variant Classification Sherloc (09022015). Collection method: clinical testing. Allele origin: germline.
Comment: In summary, the available evidence is currently insufficient to determine the role of this variant in disease. Therefore, it has been classified as a Variant of Uncertain Significance. Experimental studies and prediction algorithms are not available or were not evaluated, and the functional significance of this variant is currently unknown. This variant has not been reported in the literature in individuals with PAX2-related conditions. This variant is not present in population databases (ExAC no frequency). This sequence change replaces threonine with alanine at codon 164 of the PAX2 protein (p.Thr164Ala). The threonine residue is highly conserved and there is a small physicochemical difference between threonine and alanine.